The following is an entry in ClinVar:

NM_058216.3(RAD51C):c.966-17T>C

Gene: RAD51C (RAD51 paralog C; plus strand). Cytogenetic location: 17q22.
Variant type: single nucleotide variant.
Coding change: c.966-17T>C on transcript NM_058216.3 (MANE Select); 17 bases into the intron before coding-DNA position 966, T replaced by C.
Molecular consequence: intron variant.
Genome position (GRCh38, 1-based): chr17:58,732,467, T>C. VCF-style: chr17-58732467-T-C. GRCh37 (hg19) VCF-style: chr17-56809828-T-C.
Identifiers: ClinVar variation 3648162 (VCV003648162.3).

ClinVar aggregate classification (germline): Likely benign. Review status: criteria provided, multiple submitters, no conflicts (2 of 4 stars). 2 submissions from 2 submitters: Likely benign (2). Last evaluated 2025-02-19.

Conditions:
Breast-ovarian cancer, familial, susceptibility to, 3. Also called: RAD51C-Related Breast/Ovarian Cancer. Identifiers: Orphanet 145, MedGen C3150659, MONDO:0013253, OMIM 613399.
Fanconi anemia complementation group O. Also called: RAD51C-Related Fanconi Anemia. Identifiers: Orphanet 84, MedGen C3150653, MONDO:0013248, OMIM 613390.

Submissions (2):

Myriad Genetics, Inc.
Classification: Likely benign for Breast-ovarian cancer, familial, susceptibility to, 3. Last evaluated: 2025-02-19. Review status: criteria provided, single submitter. Criteria: Myriad Autosomal Dominant, Autosomal Recessive and X-Linked Classification Criteria (2023). Collection method: clinical testing. Allele origin: unknown.
Comment: This variant is considered likely benign. This variant is intronic and is not expected to impact mRNA splicing.

Labcorp Genetics (formerly Invitae), Labcorp
Classification: Likely benign for Fanconi anemia complementation group O. Last evaluated: 2024-03-29. Review status: criteria provided, single submitter. Criteria: Invitae Variant Classification Sherloc (09022015). Collection method: clinical testing. Allele origin: germline.